The following is an entry in ClinVar:

ClinVar aggregate classification (germline): Uncertain significance (1 of 4 stars; one submission).

Conditions:
Kabuki syndrome 1 (KABUK1). Also called: KMT2D-Related Kabuki Syndrome. Identifiers: Orphanet 2322, MedGen CN030661, MONDO:0007843, OMIM 147920.

Submission:

MVZ Medizinische Genetik Mainz
Classification: Uncertain significance for Kabuki syndrome 1. Last evaluated: 2021-09-27. Review status: criteria provided, single submitter. Criteria: UK Practice Guidelines For Variant Classification V4 01 2020. Collection method: clinical testing. Allele origin: germline. Inheritance: Autosomal dominant inheritance. Affected: yes. Observed: 1 variant allele.
Comment: ACMG Criteria: PM2_SUP, PP2, PP3

NM_003482.4(KMT2D):c.14068G>T (p.Asp4690Tyr)

Gene: KMT2D (lysine methyltransferase 2D; minus strand). Cytogenetic location: 12q13.12.
Variant type: single nucleotide variant.
Coding change: c.14068G>T on transcript NM_003482.4 (MANE Select); coding-DNA position 14068, G replaced by T.
Protein change: p.Asp4690Tyr; replaces aspartic acid 4690 with tyrosine.
Molecular consequence: missense variant.
Genome position (GRCh38, 1-based): chr12:49,029,408, C>A on the plus strand (G>T on the coding strand, the complement: KMT2D is on the minus strand). VCF-style: chr12-49029408-C-A. GRCh37 (hg19) VCF-style: chr12-49423191-C-A.
Other names: short protein forms D4690Y.
Identifiers: ClinVar variation 3235982 (VCV003235982.1), dbSNP rs2498339430, ClinGen allele CA384699361.
Genomic context (GRCh38, chr12:49,029,408, plus strand): 5'-GCAACCTGTACCCCACCCTTGTTCCTCATCCCCATTTCTGGCCCCGCCCCTACCTGACAT[C>A]CTCAGTCTGATTGTGAGGGGGTGTAGGCAAGGCAGCCAGCAGGTCTAGACTCTTCACCTC-3'
Protein context (NP_003473.3, residues 4680-4700): LPTPPHNQTE[Asp4690Tyr]VRMESDEDSD